The following is an entry in ClinVar:

NM_000388.4(CASR):c.2320G>A (p.Gly774Ser)

Gene: CASR (calcium sensing receptor; plus strand). Cytogenetic location: 3q21.1.
Variant type: single nucleotide variant.
Coding change: c.2320G>A on transcript NM_000388.4 (MANE Select); coding-DNA position 2320, G replaced by A.
Protein change: p.Gly774Ser; replaces glycine 774 with serine.
Molecular consequence: missense variant.
Genome position (GRCh38, 1-based): chr3:122,284,274, G>A. VCF-style: chr3-122284274-G-A. GRCh37 (hg19) VCF-style: chr3-122003121-G-A.
Other names: c.2350G>A, p.Gly784Ser (NM_001178065.2); short protein forms G784S, G774S.
Identifiers: ClinVar variation 1789578 (VCV001789578.9), dbSNP rs2473279431, ClinGen allele CA354159491.
Genomic context (GRCh38, chr3:122,284,274, plus strand): 5'-CAGGAGCTGGAGGATGAGATCATCTTCATCACGTGCCACGAGGGCTCCCTCATGGCCCTG[G>A]GCTTCCTGATCGGCTACACCTGCCTGCTGGCTGCCATCTGCTTCTTCTTTGCCTTCAAGT-3'
Protein context (NP_000379.3, residues 764-784): TCHEGSLMAL[Gly774Ser]FLIGYTCLLA

ClinVar aggregate classification (germline): Uncertain significance. Review status: criteria provided, multiple submitters, no conflicts (2 of 4 stars). 3 submissions from 3 submitters: Uncertain significance (3). Last evaluated 2025-01-28.

Conditions:
Familial hypocalciuric hypercalcemia (FHH). Also called: Familial benign hypercalcemia. Identifiers: Orphanet 405, MedGen C1809471, MONDO:0018458.
Autosomal dominant hypocalcemia 1 (HYPOC1). Also called: HYPOCALCEMIA, FAMILIAL. Identifiers: MedGen C3715128, MONDO:0011013, OMIM 601198.
Nephrolithiasis/nephrocalcinosis. Identifiers: MedGen CN580796.

Submissions (3):

Women's Health and Genetics/Laboratory Corporation of America, LabCorp
Classification: Uncertain significance. Last evaluated: 2025-01-28. Review status: criteria provided, single submitter. Criteria: LabCorp Variant Classification Summary - May 2015. Collection method: clinical testing. Allele origin: germline.
Comment: Variant summary: CASR c.2320G>A (p.Gly774Ser) results in a non-conservative amino acid change located in the G-protein coupled receptors family 3 domain (IPR017978) of the encoded protein sequence. Four of five in-silico tools predict a damaging effect of the variant on protein function. The variant was absent in 251112 control chromosomes. The available data on variant occurrences in the general population are insufficient to allow any conclusion about variant significance. c.2320G>A has been reported in the literature in one individual affected with Autosomal Dominant Hypocalcemia (Stratta_2014). These data do not allow any conclusion about variant significance. At least one publication reports experimental evidence evaluating an impact on protein function. The most pronounced variant effect results in 60% of nromal IP3 activities (Stratta_2014). The following publication has been ascertained in the context of this evaluation (PMID: 25104082). ClinVar contains an entry for this variant (Variation ID: 1789578). Based on the evidence outlined above, the variant was classified as uncertain significance.

Labcorp Genetics (formerly Invitae), Labcorp
Classification: Uncertain significance for Familial hypocalciuric hypercalcemia; Autosomal dominant hypocalcemia 1. Last evaluated: 2022-01-14. Review status: criteria provided, single submitter. Criteria: Invitae Variant Classification Sherloc (09022015). Collection method: clinical testing. Allele origin: germline.
Comment: In summary, the available evidence is currently insufficient to determine the role of this variant in disease. Therefore, it has been classified as a Variant of Uncertain Significance. Experimental studies have shown that this missense change affects CASR function (PMID: 25104082). Algorithms developed to predict the effect of missense changes on protein structure and function (SIFT, PolyPhen-2, Align-GVGD) all suggest that this variant is likely to be disruptive. This missense change has been observed in individual(s) with familial hypocalciuric hypercalcaemia (PMID: 25104082). This variant is not present in population databases (gnomAD no frequency). This sequence change replaces glycine, which is neutral and non-polar, with serine, which is neutral and polar, at codon 774 of the CASR protein (p.Gly774Ser).

Ambry Genetics
Classification: Uncertain significance for Nephrolithiasis/nephrocalcinosis. Last evaluated: 2020-03-31. Review status: criteria provided, single submitter. Criteria: Ambry Variant Classification Scheme 2023. Collection method: clinical testing. Allele origin: germline.
Comment: The p.G774S variant (also known as c.2320G>A), located in coding exon 6 of the CASR gene, results from a G to A substitution at nucleotide position 2320. The glycine at codon 774 is replaced by serine, an amino acid with similar properties. This variant was reported in one individual with a familial hypocalciuric hypercalcaemia phenotype (Stratta P et al. Nephrol. Dial. Transplant., 2014 Oct;29:1902-9). This amino acid position is highly conserved in available vertebrate species. In addition, this alteration is predicted to be deleterious by in silico analysis. Based on available evidence to date, the clinical significance of this alteration remains unclear.

Literature cited by the submitters: PubMed 25104082 (cited by 3 submitters).